The following is an entry in ClinVar:

NM_022489.4(INF2):c.1669G>A (p.Val557Met)

Gene: INF2 (inverted formin 2; plus strand). Cytogenetic location: 14q32.33.
Variant type: single nucleotide variant.
Coding change: c.1669G>A on transcript NM_022489.4 (MANE Select); coding-DNA position 1669, G replaced by A.
Protein change: p.Val557Met; replaces valine 557 with methionine.
Molecular consequence: missense variant. On other transcripts: non-coding transcript variant (1).
Genome position (GRCh38, 1-based): chr14:104,707,936, G>A. VCF-style: chr14-104707936-G-A. GRCh37 (hg19) VCF-style: chr14-105174273-G-A.
Other names: c.1669G>A, p.Val557Met (NM_001031714.4, NM_001426862.1, NM_001426863.1 and 2 more transcripts); short protein forms V557M.
Identifiers: ClinVar variation 4883020 (VCV004883020.2).

ClinVar aggregate classification (germline): Uncertain significance (1 of 4 stars; one submission).

gnomAD v4.1: 2 of 1,599,710 alleles (0.00013%); highest among the groups gnomAD compares: African/African-American, 0.0027%; no homozygotes.

Submission:

Dasa
Classification: Uncertain significance. Last evaluated: 2024-12-07. Review status: criteria provided, single submitter. Criteria: DASA Assertion Criteria. Collection method: clinical testing. Allele origin: germline.
Comment: NM_022489.4(INF2):c.1669G>A (p.Val557Met) is a missense variant that results in the substitution of valine with methionine. This variant is rare in population databases. Computational prediction algorithms are consistent with a benign effect. The currently available literature and clinical evidence are not sufficient to establish a definitive association between this variant and the reported condition. Therefore, this variant is classified as a variant of uncertain significance.